The following is an entry in ClinVar:

ClinVar aggregate classification (germline): Conflicting classifications of pathogenicity. Review status: criteria provided, conflicting classifications (1 of 4 stars). 6 submissions from 6 submitters: Likely pathogenic (2); Uncertain significance (3). 1 of the submissions does not count toward it. Last evaluated 2026-04-29.

Conditions:
ATM-related cancer predisposition. Also called: ATM-related cancer susceptibility. Identifiers: MedGen CN377759, MONDO:0700270.
Hereditary cancer-predisposing syndrome. Also called: Hereditary Cancer Syndrome; Neoplastic Syndromes, Hereditary; Tumor predisposition; Hereditary neoplastic syndrome. Identifiers: Orphanet 140162, MedGen C0027672, MeSH D009386, MONDO:0015356.
Gastric cancer. Also called: Stomach cancer; Malignant tumor of stomach. Identifiers: MedGen C0024623, MeSH D013274, MONDO:0001056, OMIM 613659, HP:0012126.
Ataxia-telangiectasia syndrome (AT). Also called: Cerebello-oculocutaneous telangiectasia; Immunodeficiency with ataxia telangiectasia; Ataxia-telangiectasia, complementation group E; Ataxia-telangiectasia, complementation group D; AT, COMPLEMENTATION GROUP C; ATAXIA-TELANGIECTASIA, COMPLEMENTATION GROUP A. Identifiers: Orphanet 100, MedGen C0004135, MONDO:0008840, OMIM 208900.

Allele frequency attached by ClinVar (database versions not stated): gnomAD exomes 0.00001.
gnomAD v4.1: 3 of 1,599,554 alleles (0.00019%); highest among the groups gnomAD compares: Middle Eastern, 0.017%; no homozygotes.

Submissions (6):

Ambry Genetics
Classification: Uncertain significance for Hereditary cancer-predisposing syndrome. Last evaluated: 2026-04-29. Review status: criteria provided, single submitter. Criteria: Ambry Variant Classification Scheme 2023. Collection method: clinical testing. Allele origin: germline.
Comment: The c.7928-2A>G intronic variant results from an A to G substitution two nucleotides upstream from coding exon 53 in the ATM gene. This nucleotide position is highly conserved in available vertebrate species. This alteration was not observed in 7051 unselected female breast cancer patients and was observed with an allele frequency of 0.00009 female controls of Japanese ancestry (Momozawa Y et al. Nat Commun, 2018 10;9:4083). In silico splice site analysis predicts that this alteration will weaken the native splice acceptor site. Alterations that disrupt the canonical splice site are expected to cause aberrant splicing; however, this alteration leads to the use of an in frame alternate splice acceptor site (Ambry internal data). The clinical relevance of this splicing event is unknown at this time. Based on the available evidence, the clinical significance of this variant remains unclear.

Labcorp Genetics (formerly Invitae), Labcorp
Classification: Uncertain significance for Ataxia-telangiectasia syndrome. Last evaluated: 2025-08-09. Review status: criteria provided, single submitter. Criteria: Invitae Variant Classification Sherloc (09022015). Collection method: clinical testing. Allele origin: germline.
Comment: This sequence change affects an acceptor splice site in intron 53 of the ATM gene. RNA analysis indicates that disruption of this splice site induces altered splicing and likely results in the loss of 2 and insertion of 1 amino acid residue(s), but is expected to preserve the integrity of the reading-frame. This variant is not present in population databases (gnomAD no frequency). Disruption of this splice site has been observed in individual(s) with breast cancer (PMID: 29665859, 30287823). ClinVar contains an entry for this variant (Variation ID: 490718). Studies have shown that disruption of this splice site results in the activation of a cryptic splice site in exon 54 (internal data). In summary, the available evidence is currently insufficient to determine the role of this variant in disease. Therefore, it has been classified as a Variant of Uncertain Significance.

Natera, Inc.
Classification: Likely pathogenic for Ataxia-telangiectasia. Last evaluated: 2024-06-03. Review status: criteria provided, single submitter. Criteria: Natera Variant Classification Schema (03/2026). Collection method: clinical testing. Allele origin: germline.
Comment: The c.7928-2A>G variant in ATM is a canonical splice acceptor site variant predicted to affect pre-mRNA splicing, which may result in an abnormal transcript and altered protein product. This variant is expected to result in nonsense mediated decay, truncation, or a dysfunctional protein product. This variant is rare in the general population with a frequency below the threshold expected for the associated phenotype(s). Given the available evidence, this variant is classified as Likely Pathogenic.

Institute for Genomic Medicine (IGM) Clinical Laboratory, Nationwide Children's Hospital
Classification: Uncertain significance for ATM-related cancer predisposition. Last evaluated: 2024-04-26. Review status: criteria provided, single submitter. Criteria: ACMG Guidelines, 2015. Collection method: clinical testing. Allele origin: germline.
Comment: This variant is absent from or present at an exceedingly low frequency in gnomAD, a large-scale control population database (ACMG/AMP: PM2).

Color Diagnostics, LLC DBA Color Health
Classification: Likely pathogenic for Hereditary cancer-predisposing syndrome. Last evaluated: 2021-10-04. Review status: criteria provided, single submitter. Criteria: ACMG Guidelines, 2015. Collection method: clinical testing. Allele origin: germline.
Comment: This variant causes an A to G nucleotide substitution at the -2 position of intron 53 of the ATM gene. Splice site prediction tools predict that this variant may have a significant impact on RNA splicing. Although this prediction has not been confirmed in published RNA studies, this variant is expected to result in an absent or disrupted protein product. This variant has not been reported in individuals affected with hereditary cancer in the literature and has been reported in control individuals (PMID: 19781682, 30287823). This variant has not been identified in the general population by the Genome Aggregation Database (gnomAD). Different variants affecting the same splice acceptor site, c.7928-2A>T and c.7928-1G>A, are known to be disease-causing (ClinVar variation ID: 220626, 482651). Loss of ATM function is a known mechanism of disease. Based on the available evidence, this variant is classified as Likely Pathogenic.

Laboratory for Genotyping Development, RIKEN
Classification: Pathogenic for Gastric cancer. Last evaluated: 2021-07-01. Review status: no assertion criteria provided. Collection method: research. Allele origin: germline. Not counted in ClinVar's aggregate classification.

Literature cited by the submitters: PubMed 30287823 (cited by 3 submitters); PubMed 29665859 (cited by Labcorp Genetics (formerly Invitae), Labcorp); PubMed 19781682 (cited by Color Diagnostics, LLC DBA Color Health); PubMed 36988593 (cited by Laboratory for Genotyping Development, RIKEN).

NM_000051.4(ATM):c.7928-2A>G

Genes: ATM (ATM serine/threonine kinase; plus strand), C11orf65 (chromosome 11 open reading frame 65; minus strand). Cytogenetic location: 11q22.3.
Variant type: single nucleotide variant.
Coding change: c.7928-2A>G on transcript NM_000051.4 (MANE Select); the canonical splice acceptor site of the intron before coding-DNA position 7928, A replaced by G.
Molecular consequence: splice acceptor variant. On other transcripts: intron variant (2).
Genome position (GRCh38, 1-based): chr11:108,333,884, A>G. VCF-style: chr11-108333884-A-G. GRCh37 (hg19) VCF-style: chr11-108204611-A-G.
Other names: c.7928-2A>G (NM_001351834.2); c.641-24813T>C (NM_001330368.2); c.*38+1336T>C (NM_001351110.2).
Identifiers: ClinVar variation 490718 (VCV000490718.30), dbSNP rs864622610, ClinGen allele CA382561648.